The following is an entry in ClinVar:

NM_000051.4(ATM):c.8472C>A (p.Cys2824Ter)

Genes: ATM (ATM serine/threonine kinase; plus strand), C11orf65 (chromosome 11 open reading frame 65; minus strand). Cytogenetic location: 11q22.3.
Variant type: single nucleotide variant.
Coding change: c.8472C>A on transcript NM_000051.4 (MANE Select); coding-DNA position 8472, C replaced by A.
Protein change: p.Cys2824Ter; replaces cysteine 2824 with a stop codon.
Molecular consequence: nonsense. On other transcripts: intron variant (2).
Genome position (GRCh38, 1-based): chr11:108,345,796, C>A. VCF-style: chr11-108345796-C-A. GRCh37 (hg19) VCF-style: chr11-108216523-C-A.
Other names: c.8472C>A, p.Cys2824Ter (NM_001351834.2); c.641-36725G>T (NM_001330368.2); c.695-10504G>T (NM_001351110.2); short protein forms C2824*.
Identifiers: ClinVar variation 3148064 (VCV003148064.1), dbSNP rs1555138090, ClinGen allele CA382517996.
Genomic context (GRCh38, chr11:108,345,796, plus strand): 5'-TTTAAAGGAGGTGCAAAAAAAGTCTTTTGAAGAGAAATATGAAGTCTTCATGGATGTTTG[C>A]CAAAATTTTCAACCAGTTTTCCGTTACTTCTGCATGGAAAAATTCTTGGATCCAGCTATT-3'

ClinVar aggregate classification (germline): Pathogenic (1 of 4 stars; one submission).

Conditions:
Familial cancer of breast. Also called: hereditary breast carcinoma; BREAST CANCER, FAMILIAL; Hereditary breast cancer. Identifiers: Orphanet 227535, MedGen C0346153, MONDO:0016419, OMIM 114480. Disease mechanism: loss of function.

Submission:

Myriad Genetics, Inc.
Classification: Pathogenic for Familial cancer of breast. Last evaluated: 2024-02-02. Review status: criteria provided, single submitter. Criteria: Myriad Autosomal Dominant, Autosomal Recessive and X-Linked Classification Criteria (2023). Collection method: clinical testing. Allele origin: unknown.
Comment: This variant is considered pathogenic. This variant creates a termination codon and is predicted to result in premature protein truncation.